The following is an entry in ClinVar:

ClinVar aggregate classification (germline): Uncertain significance. Review status: criteria provided, multiple submitters, no conflicts (2 of 4 stars). 3 submissions from 3 submitters: Uncertain significance (3). Last evaluated 2024-06-06.

Conditions:
Hereditary cancer-predisposing syndrome. Also called: Hereditary Cancer Syndrome; Hereditary neoplastic syndrome; Tumor predisposition; Neoplastic Syndromes, Hereditary. Identifiers: Orphanet 140162, MedGen C0027672, MeSH D009386, MONDO:0015356.
Bloom syndrome (BLM). Also called: Bloom-Torre-Machacek syndrome. Identifiers: Orphanet 125, MedGen C0005859, MONDO:0008876, OMIM 210900.

Allele frequency attached by ClinVar (database versions not stated): gnomAD exomes below 0.00001.
gnomAD v4.1: 4 of 1,608,030 alleles (0.00025%); highest among the groups gnomAD compares: South Asian, 0.0044%; no homozygotes.

Submissions (3):

Labcorp Genetics (formerly Invitae), Labcorp
Classification: Uncertain significance for Bloom syndrome. Last evaluated: 2024-06-06. Review status: criteria provided, single submitter. Criteria: Invitae Variant Classification Sherloc (09022015). Collection method: clinical testing. Allele origin: germline.
Comment: This sequence change replaces asparagine, which is neutral and polar, with aspartic acid, which is acidic and polar, at codon 202 of the BLM protein (p.Asn202Asp). This variant is not present in population databases (gnomAD no frequency). This variant has not been reported in the literature in individuals affected with BLM-related conditions. ClinVar contains an entry for this variant (Variation ID: 127513). Algorithms developed to predict the effect of missense changes on protein structure and function output the following: SIFT: "Not Available"; PolyPhen-2: "Benign"; Align-GVGD: "Not Available". The aspartic acid amino acid residue is found in multiple mammalian species, which suggests that this missense change does not adversely affect protein function. In summary, the available evidence is currently insufficient to determine the role of this variant in disease. Therefore, it has been classified as a Variant of Uncertain Significance.

Ambry Genetics
Classification: Uncertain significance for Hereditary cancer-predisposing syndrome. Last evaluated: 2020-01-06. Review status: criteria provided, single submitter. Criteria: Ambry Variant Classification Scheme 2023. Collection method: clinical testing. Allele origin: germline.
Comment: The p.N202D variant (also known as c.604A>G), located in coding exon 2 of the BLM gene, results from an A to G substitution at nucleotide position 604. The asparagine at codon 202 is replaced by aspartic acid, an amino acid with highly similar properties. This amino acid position is not well conserved in available vertebrate species, and aspartic acid is the reference amino acid in other vertebrate species. In addition, this alteration is predicted to be tolerated by in silico analysis. Since supporting evidence is limited at this time, the clinical significance of this alteration remains unclear.

GeneDx
Classification: Uncertain significance. Last evaluated: 2014-01-07. Review status: criteria provided, single submitter. Criteria: GeneDx Variant Classification (06012015). Collection method: clinical testing. Allele origin: germline. Affected: yes.
Comment: Single pathogenic variants in BLM have only recently been described in association with cancer predisposition and the risks are not well understood. This variant is denoted BLM c.604A>G at the cDNA level, p.Asn202Asp (N202D) at the protein level, and results in the change of an Asparagine to an Aspartic Acid (AAC>GAC). This variant has not, to our knowledge, been published in the literature as pathogenic or benign. BLM Asn202Asp was not observed in approximately 6,500 individuals of European and African American ancestry in the NHLBI Exome Sequencing Project. This variant is a semi-conservative substitution in which a neutral polar amino acid is replaced with a negative polar one, altering a position that is only moderately conserved throughout evolution and is not located in a known functional domain. In silico analyses predict this variant to have a benign effect on protein structure and function. Based on the currently available information, we consider BLM Asn202Asp to be a variant of uncertain significance. Furthermore, based on the currently available information, cancer risks associated with this variant, and with single variants the BLM gene in general, remain unclear.

NM_000057.4(BLM):c.604A>G (p.Asn202Asp)

Gene: BLM (BLM RecQ like helicase; plus strand). Cytogenetic location: 15q26.1.
Variant type: single nucleotide variant.
Coding change: c.604A>G on transcript NM_000057.4 (MANE Select); coding-DNA position 604, A replaced by G.
Protein change: p.Asn202Asp; replaces asparagine 202 with aspartic acid.
Molecular consequence: missense variant. On other transcripts: 5 prime UTR variant (1).
Genome position (GRCh38, 1-based): chr15:90,749,872, A>G. VCF-style: chr15-90749872-A-G. GRCh37 (hg19) VCF-style: chr15-91293102-A-G.
Other names: p.N202D:AAC>GAC; c.604A>G, p.Asn202Asp (NM_001287246.2, NM_001287247.2); c.-688A>G (NM_001287248.2); c.604A>G (LRG_20t1); short protein forms N202D.
Identifiers: ClinVar variation 127513 (VCV000127513.6), dbSNP rs587779894, ClinGen allele CA287142.